The following is an entry in ClinVar:

NM_004260.4(RECQL4):c.1705-6C>T

Gene: RECQL4 (RecQ like helicase 4; minus strand). Cytogenetic location: 8q24.3.
Variant type: single nucleotide variant.
Coding change: c.1705-6C>T on transcript NM_004260.4 (MANE Select); 6 bases into the intron before coding-DNA position 1705, C replaced by T.
Molecular consequence: intron variant.
Genome position (GRCh38, 1-based): chr8:144,514,368, G>A on the plus strand (C>T on the coding strand, the complement: RECQL4 is on the minus strand). VCF-style: chr8-144514368-G-A. GRCh37 (hg19) VCF-style: chr8-145739752-G-A.
Identifiers: ClinVar variation 529099 (VCV000529099.11), dbSNP rs1554899989, ClinGen allele CA658797176.
Genomic context (GRCh38, chr8:144,514,368, plus strand): 5'-CCCCCACCAGTGCCTCAGGTGTCAGCATCAGCACGTGTACCTGGGCTGCCCGAATCTGAA[G>A]GCAGCAAGATCAGAGGCACAGCCCAGGTGCCCGCCCGCTGCCTCCCTCACCCCTAGGCCC-3'

ClinVar aggregate classification (germline): Conflicting classifications of pathogenicity. Review status: criteria provided, conflicting classifications (1 of 4 stars). 2 submissions from 2 submitters: Uncertain significance (1); Likely benign (1). Last evaluated 2024-06-12.

Conditions:
Inborn genetic diseases. Identifiers: MedGen C0950123, MeSH D030342.
Baller-Gerold syndrome (BGS). Also called: CRANIOSYNOSTOSIS WITH RADIAL DEFECTS. Identifiers: Orphanet 1225, MedGen C0265308, MONDO:0009039, OMIM 218600.

Allele frequency attached by ClinVar (database versions not stated): gnomAD exomes 0.00001.
gnomAD v4.1: 13 of 1,600,090 alleles (0.00081%); highest among the groups gnomAD compares: Non-Finnish European, 0.0011%; no homozygotes.

Submissions (2):

Labcorp Genetics (formerly Invitae), Labcorp
Classification: Likely benign for Baller-Gerold syndrome. Last evaluated: 2024-06-12. Review status: criteria provided, single submitter. Criteria: Invitae Variant Classification Sherloc (09022015). Collection method: clinical testing. Allele origin: germline.

Ambry Genetics
Classification: Uncertain significance for Inborn genetic diseases. Last evaluated: 2021-09-02. Review status: criteria provided, single submitter. Criteria: Ambry Variant Classification Scheme 2023. Collection method: clinical testing. Allele origin: germline.
Comment: The c.1705-6C>T intronic alteration consists of a C to T substitution 6 nucleotides before exon 11 of the RECQL4 gene. Based on insufficient or conflicting evidence, the clinical significance of this alteration remains unclear.